The following is an entry in ClinVar:

ClinVar aggregate classification (germline): Uncertain significance. Review status: criteria provided, multiple submitters, no conflicts (2 of 4 stars). 2 submissions from 2 submitters: Uncertain significance (2). Last evaluated 2023-12-05.

Conditions:
Hereditary cancer-predisposing syndrome. Also called: Tumor predisposition; Hereditary neoplastic syndrome; Neoplastic Syndromes, Hereditary; Hereditary Cancer Syndrome. Identifiers: Orphanet 140162, MedGen C0027672, MeSH D009386, MONDO:0015356.

Submissions (2):

Color Diagnostics, LLC DBA Color Health
Classification: Uncertain significance for Hereditary cancer-predisposing syndrome. Last evaluated: 2023-12-05. Review status: criteria provided, single submitter. Criteria: ACMG Guidelines, 2015. Collection method: clinical testing. Allele origin: germline.
Comment: This missense variant replaces glutamine with lysine at codon 2243 of the ATM protein. Computational prediction suggests that this variant may not impact protein structure and function (internally defined REVEL score threshold <= 0.5, PMID: 27666373). To our knowledge, functional studies have not been reported for this variant. This variant has not been reported in individuals affected with ATM-related disorders in the literature. This variant has not been identified in the general population by the Genome Aggregation Database (gnomAD). The available evidence is insufficient to determine the role of this variant in disease conclusively. Therefore, this variant is classified as a Variant of Uncertain Significance.

Ambry Genetics
Classification: Uncertain significance for Hereditary cancer-predisposing syndrome. Last evaluated: 2019-01-21. Review status: criteria provided, single submitter. Criteria: Ambry Variant Classification Scheme 2023. Collection method: clinical testing. Allele origin: germline.
Comment: The p.Q2243K variant (also known as c.6727C>A), located in coding exon 45 of the ATM gene, results from a C to A substitution at nucleotide position 6727. The glutamine at codon 2243 is replaced by lysine, an amino acid with similar properties. This amino acid position is not well conserved in available vertebrate species. In addition, this alteration is predicted to be tolerated by in silico analysis. Since supporting evidence is limited at this time, the clinical significance of this alteration remains unclear.

NM_000051.4(ATM):c.6727C>A (p.Gln2243Lys)

Genes: ATM (ATM serine/threonine kinase; plus strand), C11orf65 (chromosome 11 open reading frame 65; minus strand). Cytogenetic location: 11q22.3.
Variant type: single nucleotide variant.
Coding change: c.6727C>A on transcript NM_000051.4 (MANE Select); coding-DNA position 6727, C replaced by A.
Protein change: p.Gln2243Lys; replaces glutamine 2243 with lysine.
Molecular consequence: missense variant. On other transcripts: intron variant (2).
Genome position (GRCh38, 1-based): chr11:108,325,464, C>A. VCF-style: chr11-108325464-C-A. GRCh37 (hg19) VCF-style: chr11-108196191-C-A.
Other names: c.6727C>A, p.Gln2243Lys (NM_001351834.2); c.641-16393G>T (NM_001330368.2); c.*38+9756G>T (NM_001351110.2); short protein forms Q2243K.
Identifiers: ClinVar variation 630461 (VCV000630461.10), dbSNP rs1565518711, ClinGen allele CA382555106.